The following is an entry in ClinVar:

ClinVar aggregate classification (germline): Uncertain significance (1 of 4 stars; one submission).

Allele frequency attached by ClinVar (database versions not stated): gnomAD exomes below 0.00001.
gnomAD v4.1: 1 of 1,608,536 alleles (0.000062%); highest among the groups gnomAD compares: Non-Finnish European, 0.000085%; no homozygotes.

Submission:

Ambry Genetics
Classification: Uncertain significance. Last evaluated: 2023-10-22. Review status: criteria provided, single submitter. Criteria: Ambry Variant Classification Scheme 2023. Collection method: clinical testing. Allele origin: germline.
Comment: The p.K1000R variant (also known as c.2999A>G), located in coding exon 15 of the NPAT gene, results from an A to G substitution at nucleotide position 2999. The lysine at codon 1000 is replaced by arginine, an amino acid with highly similar properties. This amino acid position is conserved. In addition, this alteration is predicted to be tolerated by in silico analysis. Since supporting evidence is limited at this time, the clinical significance of this alteration remains unclear.

NM_002519.3(NPAT):c.2999A>G (p.Lys1000Arg)

Gene: NPAT (nuclear protein, coactivator of histone transcription; minus strand). Cytogenetic location: 11q22.3.
Variant type: single nucleotide variant.
Coding change: c.2999A>G on transcript NM_002519.3 (MANE Select); coding-DNA position 2999, A replaced by G.
Protein change: p.Lys1000Arg; replaces lysine 1000 with arginine.
Molecular consequence: missense variant.
Genome position (GRCh38, 1-based): chr11:108,169,755, T>C on the plus strand (A>G on the coding strand, the complement: NPAT is on the minus strand). VCF-style: chr11-108169755-T-C. GRCh37 (hg19) VCF-style: chr11-108040482-T-C.
Other names: c.2999A>G, p.Lys1000Arg (NM_001321307.1); short protein forms K1000R.
Identifiers: ClinVar variation 1798597 (VCV001798597.2), dbSNP rs2496710537, ClinGen allele CA382511772.